The following is an entry in ClinVar:

NM_198252.3(GSN):c.-9-2002dup

Gene: GSN (gelsolin; plus strand). Cytogenetic location: 9q33.2.
Variant type: Duplication.
Coding change: c.-9-2002dup on transcript NM_198252.3 (MANE Select); 2002 bases into the intron before 9 bases upstream of the start codon, one base duplicated (G; older notation c.-9-2002dupG).
Molecular consequence: intron variant. On other transcripts: frameshift variant (1).
Genome position (GRCh38, 1-based): chr9:121,299,961, G duplicated; the last of 6 consecutive G bases (chr9:121,299,956-121,299,961); duplicating any one gives the same sequence. VCF-style (leftmost placement, unchanged base first): chr9-121299955-C-CG. GRCh37 (hg19) VCF-style: chr9-124062233-C-CG.
Other names: c.100dup, p.Ala34fs (NM_000177.5); c.-9-2002dup (NM_001353054.1, NM_001353053.1, NM_001353060.2 and 5 more transcripts); c.-47-95dup (NM_001353064.2, NM_001353066.2, NM_001353072.2 and 8 more transcripts); c.-1-2010dup (NM_001353058.2, NM_001353059.2, NM_001353056.2 and 1 more transcripts); c.-38-104dup (NM_001353073.2, NM_001353065.2, NM_001353068.2 and 2 more transcripts); c.100-2002dup (NM_001127663.2); c.-32-110dup (NM_001353070.2); c.-48-1963dup (NM_001353055.2); and 3 more; short protein forms A34fs.
Identifiers: ClinVar variation 2159477 (VCV002159477.3), dbSNP rs763678057, ClinGen allele CA5220654.

ClinVar aggregate classification (germline): Uncertain significance. Review status: criteria provided, multiple submitters, no conflicts (2 of 4 stars). 2 submissions from 2 submitters: Uncertain significance (2). Last evaluated 2024-07-17.

Submissions (2):

Blueprint Genetics
Classification: Uncertain significance. Last evaluated: 2024-07-17. Review status: criteria provided, single submitter. Criteria: ACMG Guidelines, 2015. Collection method: clinical testing. Allele origin: germline.

Labcorp Genetics (formerly Invitae), Labcorp
Classification: Uncertain significance. Last evaluated: 2024-04-16. Review status: criteria provided, single submitter. Criteria: Invitae Variant Classification Sherloc (09022015). Collection method: clinical testing. Allele origin: germline.
Comment: This sequence change creates a premature translational stop signal (p.Ala34Glyfs*78) in the GSN gene. It is expected to result in an absent or disrupted protein product. However, the current clinical and genetic evidence is not sufficient to establish whether loss-of-function variants in GSN cause disease. This variant is present in population databases (rs763678057, gnomAD 0.01%). This premature translational stop signal has been observed in individual(s) with clinical features of GSN-related conditions (PMID: 30417985). ClinVar contains an entry for this variant (Variation ID: 2159477). In summary, the available evidence is currently insufficient to determine the role of this variant in disease. Therefore, it has been classified as a Variant of Uncertain Significance.

Literature cited by the submitters: PubMed 30417985 (cited by Labcorp Genetics (formerly Invitae), Labcorp).